The following is an entry in ClinVar:

NM_006030.4(CACNA2D2):c.146C>T (p.Pro49Leu)

Gene: CACNA2D2 (calcium voltage-gated channel auxiliary subunit alpha2delta 2; minus strand). Cytogenetic location: 3p21.31.
Variant type: single nucleotide variant.
Coding change: c.146C>T on transcript NM_006030.4 (MANE Select); coding-DNA position 146, C replaced by T.
Protein change: p.Pro49Leu; replaces proline 49 with leucine.
Molecular consequence: missense variant. On other transcripts: intron variant (1).
Genome position (GRCh38, 1-based): chr3:50,503,278, G>A on the plus strand (C>T on the coding strand, the complement: CACNA2D2 is on the minus strand). VCF-style: chr3-50503278-G-A. GRCh37 (hg19) VCF-style: chr3-50540709-G-A.
Other names: c.146C>T, p.Pro49Leu (NM_001005505.3, NM_001174051.3); c.-2+791C>T (NM_001291101.1); short protein forms P49L.
Identifiers: ClinVar variation 565370 (VCV000565370.7), dbSNP rs951683514, ClinGen allele CA74518899.

ClinVar aggregate classification (germline): Uncertain significance (1 of 4 stars; one submission).

Conditions:
Developmental and epileptic encephalopathy. Identifiers: MedGen C5779964, MONDO:0100620.

Allele frequency attached by ClinVar (database versions not stated): gnomAD 0.00001; TOPMed 0.00001.
gnomAD v4.1: 4 of 1,165,972 alleles (0.00034%); highest among the groups gnomAD compares: African/African-American, 0.0048%; no homozygotes.

Submission:

Labcorp Genetics (formerly Invitae), Labcorp
Classification: Uncertain significance for Early-infantile DEE. Last evaluated: 2023-07-17. Review status: criteria provided, single submitter. Criteria: Invitae Variant Classification Sherloc (09022015). Collection method: clinical testing. Allele origin: germline.
Comment: ClinVar contains an entry for this variant (Variation ID: 565370). In summary, the available evidence is currently insufficient to determine the role of this variant in disease. Therefore, it has been classified as a Variant of Uncertain Significance. Algorithms developed to predict the effect of missense changes on protein structure and function output the following: SIFT: "Not Available"; PolyPhen-2: "Not Available"; Align-GVGD: "Not Available". The leucine amino acid residue is found in multiple mammalian species, which suggests that this missense change does not adversely affect protein function. This variant has not been reported in the literature in individuals affected with CACNA2D2-related conditions. This variant is not present in population databases (gnomAD no frequency). This sequence change replaces proline, which is neutral and non-polar, with leucine, which is neutral and non-polar, at codon 49 of the CACNA2D2 protein (p.Pro49Leu).